The following is an entry in ClinVar:

NM_005032.7(PLS3):c.680T>A (p.Val227Asp)

Gene: PLS3 (plastin 3; plus strand). Cytogenetic location: Xq23.
Variant type: single nucleotide variant.
Coding change: c.680T>A on transcript NM_005032.7 (MANE Select); coding-DNA position 680, T replaced by A.
Protein change: p.Val227Asp; replaces valine 227 with aspartic acid.
Molecular consequence: missense variant.
Genome position (GRCh38, 1-based): chrX:115,634,978, T>A. VCF-style: chrX-115634978-T-A. GRCh37 (hg19) VCF-style: chrX-114869290-T-A.
Other names: c.680T>A, p.Val227Asp (NM_001136025.5); c.599T>A, p.Val200Asp (NM_001172335.3); c.614T>A, p.Val205Asp (NM_001282337.2); c.545T>A, p.Val182Asp (NM_001282338.2); short protein forms V182D, V200D, V205D, V227D.
Identifiers: ClinVar variation 1522718 (VCV001522718.6), dbSNP rs2147551920, ClinGen allele CA414334082.

ClinVar aggregate classification (germline): Uncertain significance (1 of 4 stars; one submission).

Submission:

Labcorp Genetics (formerly Invitae), Labcorp
Classification: Uncertain significance. Last evaluated: 2021-12-09. Review status: criteria provided, single submitter. Criteria: Invitae Variant Classification Sherloc (09022015). Collection method: clinical testing. Allele origin: germline.
Comment: In summary, the available evidence is currently insufficient to determine the role of this variant in disease. Therefore, it has been classified as a Variant of Uncertain Significance. Algorithms developed to predict the effect of missense changes on protein structure and function are either unavailable or do not agree on the potential impact of this missense change (SIFT: "Deleterious"; PolyPhen-2: "Probably Damaging"; Align-GVGD: "Class C0"). This missense change has been observed in individual(s) with clinical features of osteogenesis imperfecta (Invitae). This variant is not present in population databases (gnomAD no frequency). This sequence change replaces valine, which is neutral and non-polar, with aspartic acid, which is acidic and polar, at codon 227 of the PLS3 protein (p.Val227Asp).